The following is an entry in ClinVar:

ClinVar aggregate classification (germline): Benign. Review status: criteria provided, multiple submitters, no conflicts (2 of 4 stars). 8 submissions from 8 submitters: Benign (7). 1 of the submissions does not count toward it. Last evaluated 2026-03-02.

Conditions:
Glycogen storage disease IXb (GSD9B). Also called: GLYCOGENOSIS OF LIVER AND MUSCLE, AUTOSOMAL RECESSIVE; GSD IXb; PHOSPHORYLASE KINASE DEFICIENCY OF LIVER AND MUSCLE, AUTOSOMAL RECESSIVE. Identifiers: Orphanet 79240, MedGen C0543514, MONDO:0009868, OMIM 261750.

Allele frequency attached by ClinVar (database versions not stated): gnomAD exomes 0.00069 and 0.00198; ExAC 0.00250; gnomAD 0.00789 and 0.00851; 1000 Genomes Project 0.00799; TOPMed 0.00908; ESP Exome Variant Server 0.00915; 1000 Genomes Project 30x 0.00937.
gnomAD v4.1: 2,274 of 1,613,250 alleles (0.14%); highest among the groups gnomAD compares: African/African-American, 2.7%; 23 homozygotes.

Submissions (8):

Women's Health and Genetics/Laboratory Corporation of America, LabCorp
Classification: Benign. Last evaluated: 2026-03-02. Review status: criteria provided, single submitter. Criteria: LabCorp Variant Classification Summary - May 2015. Collection method: clinical testing. Allele origin: germline.

Labcorp Genetics (formerly Invitae), Labcorp
Classification: Benign for Glycogen storage disease IXb. Last evaluated: 2026-01-24. Review status: criteria provided, single submitter. Criteria: Invitae Variant Classification Sherloc (09022015). Collection method: clinical testing. Allele origin: germline.

ARUP Laboratories, Molecular Genetics and Genomics, ARUP Laboratories
Classification: Benign for Glycogen storage disease IXb. Last evaluated: 2024-10-21. Review status: criteria provided, single submitter. Criteria: ARUP Molecular Germline Variant Investigation Process 2024. Collection method: clinical testing. Allele origin: germline.

Illumina Laboratory Services, Illumina
Classification: Benign for Glycogen storage disease IXb. Last evaluated: 2018-01-13. Review status: criteria provided, single submitter. Criteria: ICSL Variant Classification Criteria 13 December 2019. Collection method: clinical testing. Allele origin: germline.
Comment: This variant was observed in the ICSL laboratory as part of a predisposition screen in an ostensibly healthy population. It had not been previously curated by ICSL or reported in the Human Gene Mutation Database (HGMD: prior to June 1st, 2018), and was therefore a candidate for classification through an automated scoring system. Utilizing variant allele frequency, disease prevalence and penetrance estimates, and inheritance mode, an automated score was calculated to assess if this variant is too frequent to cause the disease. Based on the score and internal cut-off values, a variant classified as benign is not then subjected to further curation. The score for this variant resulted in a classification of benign for this disease.

GeneDx
Classification: Benign. Last evaluated: 2016-09-02. Review status: criteria provided, single submitter. Criteria: GeneDx Variant Classification (06012015). Collection method: clinical testing. Allele origin: germline. Affected: yes.
Comment: This variant is considered likely benign or benign based on one or more of the following criteria: it is a conservative change, it occurs at a poorly conserved position in the protein, it is predicted to be benign by multiple in silico algorithms, and/or has population frequency not consistent with disease.

Breakthrough Genomics
Classification: Benign. Review status: criteria provided, single submitter. Criteria: ACMG Guidelines, 2015. Collection method: not provided. Allele origin: germline. Inheritance: Autosomal recessive inheritance. Affected: yes.

PreventionGenetics, part of Exact Sciences
Classification: Benign. Review status: criteria provided, single submitter. Criteria: ACMG Guidelines, 2015. Collection method: clinical testing. Allele origin: germline.

Mayo Clinic Laboratories, Mayo Clinic
Classification: Likely benign. Last evaluated: 2017-03-13. Review status: no assertion criteria provided. Collection method: clinical testing. Allele origin: unknown. Not counted in ClinVar's aggregate classification.

NM_000293.3(PHKB):c.2244C>G (p.Leu748=)

Gene: PHKB (phosphorylase kinase regulatory subunit beta; plus strand). Cytogenetic location: 16q12.1.
Variant type: single nucleotide variant.
Coding change: c.2244C>G on transcript NM_000293.3 (MANE Select); coding-DNA position 2244, C replaced by G.
Protein change: p.Leu748=; no amino-acid change (leucine 748 retained).
Molecular consequence: synonymous variant.
Genome position (GRCh38, 1-based): chr16:47,661,766, C>G. VCF-style: chr16-47661766-C-G. GRCh37 (hg19) VCF-style: chr16-47695677-C-G.
Other names: c.2223C>G, p.Leu741= (NM_001031835.3); c.2244C>G, p.Leu748= (NM_001363837.1).
Identifiers: ClinVar variation 257174 (VCV000257174.22), dbSNP rs34717357, ClinGen allele CA8041118.